The following is an entry in ClinVar:

ClinVar aggregate classification (germline): Uncertain significance (1 of 4 stars; one submission).

Conditions:
NKX2-6-related disorder. Also called: NKX2-6-related condition.

Allele frequency attached by ClinVar (database versions not stated): gnomAD exomes below 0.00001.
gnomAD v4.1: 3 of 1,547,462 alleles (0.00019%); highest among the groups gnomAD compares: East Asian, 0.0024%; no homozygotes.

Submission:

PreventionGenetics, part of Exact Sciences
Classification: Uncertain significance for NKX2-6-related condition. Last evaluated: 2023-09-15. Review status: criteria provided, single submitter. Criteria: ACMG Guidelines, 2015. Collection method: clinical testing. Allele origin: germline.
Comment: The NKX2-6 c.404C>T variant is predicted to result in the amino acid substitution p.Pro135Leu. To our knowledge, this variant has not been reported in the literature or in a large population database, indicating this variant is rare. At this time, the clinical significance of this variant is uncertain due to the absence of conclusive functional and genetic evidence.

NM_001136271.3(NKX2-6):c.404C>T (p.Pro135Leu)

Gene: NKX2-6 (NK2 homeobox 6; minus strand). Cytogenetic location: 8p21.2.
Variant type: single nucleotide variant.
Coding change: c.404C>T on transcript NM_001136271.3 (MANE Select); coding-DNA position 404, C replaced by T.
Protein change: p.Pro135Leu; replaces proline 135 with leucine.
Molecular consequence: missense variant.
Genome position (GRCh38, 1-based): chr8:23,702,953, G>A on the plus strand (C>T on the coding strand, the complement: NKX2-6 is on the minus strand). VCF-style: chr8-23702953-G-A. GRCh37 (hg19) VCF-style: chr8-23560466-G-A.
Other names: short protein forms P135L.
Identifiers: ClinVar variation 2630912 (VCV002630912.1), dbSNP rs2486482789, ClinGen allele CA370603061.